The following is an entry in ClinVar:

ClinVar aggregate classification (germline): Likely benign. Review status: criteria provided, multiple submitters, no conflicts (2 of 4 stars). 2 submissions from 2 submitters: Likely benign (2). Last evaluated 2024-10-22.

Submissions (2):

Blueprint Genetics
Classification: Likely benign. Last evaluated: 2024-10-22. Review status: criteria provided, single submitter. Criteria: ACMG Guidelines, 2015. Collection method: clinical testing. Allele origin: germline.

CeGaT Center for Human Genetics Tuebingen
Classification: Likely benign. Last evaluated: 2022-11-01. Review status: criteria provided, single submitter. Criteria: CeGaT Center For Human Genetics Tuebingen Variant Classification Criteria Version 2. Collection method: clinical testing. Allele origin: germline. Affected: yes. Observed: 3 variant alleles.
Comment: SLC45A1: BP4, BP7, BS1

NM_001080397.3(SLC45A1):c.180A>C (p.Pro60=)

Gene: SLC45A1 (solute carrier family 45 member 1; plus strand). Cytogenetic location: 1p36.23.
Variant type: single nucleotide variant.
Coding change: c.180A>C on transcript NM_001080397.3 (MANE Select); coding-DNA position 180, A replaced by C.
Protein change: p.Pro60=; no amino-acid change (proline 60 retained).
Molecular consequence: synonymous variant. On other transcripts: intron variant (2).
Genome position (GRCh38, 1-based): chr1:8,324,509, A>C. VCF-style: chr1-8324509-A-C. GRCh37 (hg19) VCF-style: chr1-8384569-A-C.
Other names: c.180A>C, p.Pro60= (NM_001379614.1, NM_001379615.1, NM_001379616.1); c.-116-1309A>C (NM_001379617.1, NM_001379618.1).
Identifiers: ClinVar variation 2638146 (VCV002638146.25), dbSNP rs1287545004, ClinGen allele CA416029026.